The following is an entry in ClinVar:

NM_133510.4(RAD51B):c.198+1G>T

Gene: RAD51B (RAD51 paralog B; plus strand). Cytogenetic location: 14q24.1.
Variant type: single nucleotide variant.
Coding change: c.198+1G>T on transcript NM_133510.4 (MANE Select); the canonical splice donor site of the intron after coding-DNA position 198, G replaced by T.
Molecular consequence: splice donor variant.
Genome position (GRCh38, 1-based): chr14:67,825,578, G>T. VCF-style: chr14-67825578-G-T. GRCh37 (hg19) VCF-style: chr14-68292295-G-T.
Other names: c.198+1G>T (NM_001321818.2, NM_001321809.2, NM_001321821.2 and 6 more transcripts); c.-258+1G>T (NM_001321817.2); c.84+1G>T (NM_001321815.1).
Identifiers: ClinVar variation 4149857 (VCV004149857.1).

ClinVar aggregate classification (germline): Uncertain significance (1 of 4 stars; one submission).

gnomAD v4.1: 32 of 1,575,526 alleles (0.002%); highest among the groups gnomAD compares: Admixed American, 0.048%; no homozygotes.

Submission:

Ambry Genetics
Classification: Uncertain significance. Last evaluated: 2025-09-05. Review status: criteria provided, single submitter. Criteria: Ambry Variant Classification Scheme 2023. Collection method: clinical testing. Allele origin: germline.
Comment: The c.198+1G>T intronic variant results from a G to T substitution one nucleotide after coding exon 2 of the RAD51B gene. This nucleotide position is highly conserved in available vertebrate species. In silico splice site analysis predicts that this alteration will weaken the native splice donor site. The evidence for this gene-disease relationship is limited; therefore, the clinical significance of this alteration is unclear.